The following is an entry in ClinVar:

ClinVar aggregate classification (germline): Pathogenic (1 of 4 stars; one submission).

Submission:

GeneDx
Classification: Pathogenic. Last evaluated: 2017-12-14. Review status: criteria provided, single submitter. Criteria: GeneDx Variant Classification (06012015). Collection method: clinical testing. Allele origin: germline. Affected: yes.
Comment: The Y64X nonsense variant in the DCX gene is predicted to cause loss of normal protein functioneither through protein truncation or nonsense-mediated mRNA decay. This variant is not observed in large population cohorts (Lek et al., 2016). Although this pathogenic variant has not been reported previously to our knowledge, other nonsense variants downstream of this position have been reported in the Human Gene Mutation Database in association with DCX-related disorders (Stenson et al., 2014). Therefore, the presence of the Y64X pathogenic variant is consistent with the diagnosis of aDCX-related disorder in this individual.

NM_001195553.2(DCX):c.192C>G (p.Tyr64Ter)

Gene: DCX (doublecortin; minus strand). Cytogenetic location: Xq23.
Variant type: single nucleotide variant.
Coding change: c.192C>G on transcript NM_001195553.2 (MANE Select); coding-DNA position 192, C replaced by G.
Protein change: p.Tyr64Ter; replaces tyrosine 64 with a stop codon.
Molecular consequence: nonsense.
Genome position (GRCh38, 1-based): chrX:111,410,207, G>C on the plus strand (C>G on the coding strand, the complement: DCX is on the minus strand). VCF-style: chrX-111410207-G-C. GRCh37 (hg19) VCF-style: chrX-110653435-G-C.
Other names: c.435C>G, p.Tyr145Ter (NM_000555.3); c.192C>G, p.Tyr64Ter (NM_001369370.1, NM_001369371.1, NM_001369372.1 and 5 more transcripts); short protein forms Y64*, Y145*.
Identifiers: ClinVar variation 489234 (VCV000489234.2), dbSNP rs764964209, ClinGen allele CA414246914.